The following is an entry in ClinVar:

NM_002471.4(MYH6):c.3037C>T (p.Gln1013Ter)

Gene: MYH6 (myosin heavy chain 6; minus strand). Cytogenetic location: 14q11.2.
Variant type: single nucleotide variant.
Coding change: c.3037C>T on transcript NM_002471.4 (MANE Select); coding-DNA position 3037, C replaced by T.
Protein change: p.Gln1013Ter; replaces glutamine 1013 with a stop codon.
Molecular consequence: nonsense.
Genome position (GRCh38, 1-based): chr14:23,393,410, G>A on the plus strand (C>T on the coding strand, the complement: MYH6 is on the minus strand). VCF-style: chr14-23393410-G-A. GRCh37 (hg19) VCF-style: chr14-23862619-G-A.
Other names: short protein forms Q1013*.
Identifiers: ClinVar variation 4712484 (VCV004712484.1).

ClinVar aggregate classification (germline): Uncertain significance (1 of 4 stars; one submission).

Conditions:
Hypertrophic cardiomyopathy 14. Identifiers: MedGen C2750467, MONDO:0013197, OMIM 613251.

Submission:

Labcorp Genetics (formerly Invitae), Labcorp
Classification: Uncertain significance for Hypertrophic cardiomyopathy 14. Last evaluated: 2025-02-06. Review status: criteria provided, single submitter. Criteria: Invitae Variant Classification Sherloc (09022015). Collection method: clinical testing. Allele origin: germline.
Comment: This sequence change creates a premature translational stop signal (p.Gln1013*) in the MYH6 gene. It is expected to result in an absent or disrupted protein product. However, the current clinical and genetic evidence is not sufficient to establish whether loss-of-function variants in MYH6 cause disease. This variant is not present in population databases (gnomAD no frequency). This variant has not been reported in the literature in individuals affected with MYH6-related conditions. In summary, the available evidence is currently insufficient to determine the role of this variant in disease. Therefore, it has been classified as a Variant of Uncertain Significance.